The following is an entry in ClinVar:

ClinVar aggregate classification (germline): Uncertain significance (1 of 4 stars; one submission).

Conditions:
Kennedy disease (SMAX1). Also called: SPINAL AND BULBAR MUSCULAR ATROPHY, X-LINKED 1; KENNEDY SPINAL AND BULBAR MUSCULAR ATROPHY; Spinal and Bulbar Muscular Atrophy. Identifiers: Orphanet 481, MedGen C1839259, MONDO:0010735, OMIM 313200.
Androgen resistance syndrome (AIS). Also called: DHTR DEFICIENCY; DIHYDROTESTOSTERONE RECEPTOR DEFICIENCY; ANDROGEN RECEPTOR DEFICIENCY; TESTICULAR FEMINIZATION SYNDROME; Androgen insensitivity syndrome; Androgen insensitivity. Identifiers: Orphanet 754, Orphanet 99429, MedGen C0039585, MONDO:0019154, OMIM 300068. Disease mechanism: loss of function.

Submission:

Labcorp Genetics (formerly Invitae), Labcorp
Classification: Uncertain significance for Kennedy disease; Androgen resistance syndrome. Last evaluated: 2023-09-24. Review status: criteria provided, single submitter. Criteria: Invitae Variant Classification Sherloc (09022015). Collection method: clinical testing. Allele origin: germline.
Comment: This sequence change replaces tyrosine, which is neutral and polar, with cysteine, which is neutral and slightly polar, at codon 782 of the AR protein (p.Tyr782Cys). This variant is not present in population databases (gnomAD no frequency). This missense change has been observed in individual(s) with clinical features of AR-related conditions (Invitae). Advanced modeling of protein sequence and biophysical properties (such as structural, functional, and spatial information, amino acid conservation, physicochemical variation, residue mobility, and thermodynamic stability) has been performed at Invitae for this missense variant, however the output from this modeling did not meet the statistical confidence thresholds required to predict the impact of this variant on AR protein function. This variant disrupts the p.Tyr782 amino acid residue in AR. Other variant(s) that disrupt this residue have been observed in individuals with AR-related conditions (PMID: 20150575, 28624954, 32985417), which suggests that this may be a clinically significant amino acid residue. In summary, the available evidence is currently insufficient to determine the role of this variant in disease. Therefore, it has been classified as a Variant of Uncertain Significance.

Literature cited by the submitters: PubMed 20150575; PubMed 28624954; PubMed 32985417.

NM_000044.6(AR):c.2345A>G (p.Tyr782Cys)

Gene: AR (androgen receptor; plus strand). Cytogenetic location: Xq12.
Variant type: single nucleotide variant.
Coding change: c.2345A>G on transcript NM_000044.6 (MANE Select); coding-DNA position 2345, A replaced by G.
Protein change: p.Tyr782Cys; replaces tyrosine 782 with cysteine.
Molecular consequence: missense variant.
Genome position (GRCh38, 1-based): chrX:67,721,859, A>G. VCF-style: chrX-67721859-A-G. GRCh37 (hg19) VCF-style: chrX-66941701-A-G.
Other names: c.749A>G, p.Tyr250Cys (NM_001011645.3); c.2348A>G, p.Tyr783Cys (NM_001424175.1); short protein forms Y783C, Y250C, Y782C.
Identifiers: ClinVar variation 2951377 (VCV002951377.3), dbSNP rs2147535642, ClinGen allele CA413426486.
Genomic context (GRCh38, chrX:67,721,859, plus strand): 5'-TCATTCCTTTTTCCTCTGTGTATCTCCTTCCCAGGTACCGCATGCACAAGTCCCGGATGT[A>G]CAGCCAGTGTGTCCGAATGAGGCACCTCTCTCAAGAGTTTGGATGGCTCCAAATCACCCC-3'
Protein context (NP_000035.2, residues 772-792): NEYRMHKSRM[Tyr782Cys]SQCVRMRHLS